The following is an entry in ClinVar:

NM_004260.4(RECQL4):c.2942G>A (p.Gly981Asp)

Gene: RECQL4 (RecQ like helicase 4; minus strand). Cytogenetic location: 8q24.3.
Variant type: single nucleotide variant.
Coding change: c.2942G>A on transcript NM_004260.4 (MANE Select); coding-DNA position 2942, G replaced by A.
Protein change: p.Gly981Asp; replaces glycine 981 with aspartic acid.
Molecular consequence: missense variant.
Genome position (GRCh38, 1-based): chr8:144,512,505, C>T on the plus strand (G>A on the coding strand, the complement: RECQL4 is on the minus strand). VCF-style: chr8-144512505-C-T. GRCh37 (hg19) VCF-style: chr8-145737888-C-T.
Other names: c.2942G>A (NM_004260.3); c.2648G>A, p.Gly883Asp (NM_001413017.1); c.2744G>A, p.Gly915Asp (NM_001413018.1); c.3017G>A, p.Gly1006Asp (NM_001413019.1); c.2846G>A, p.Gly949Asp (NM_001413020.1); c.1871G>A, p.Gly624Asp (NM_001413021.1, NM_001413022.1, NM_001413024.1 and 4 more transcripts); c.1946G>A, p.Gly649Asp (NM_001413023.1); c.2813G>A, p.Gly938Asp (NM_001413025.1); and 10 more; short protein forms G602D, G624D, G981D, G937D, G971D, G1006D, G580D, G614D.
Identifiers: ClinVar variation 1964064 (VCV001964064.6), dbSNP rs1564790911, ClinGen allele CA372673276.

ClinVar aggregate classification (germline): Uncertain significance. Review status: criteria provided, multiple submitters, no conflicts (2 of 4 stars). 2 submissions from 2 submitters: Uncertain significance (2). Last evaluated 2024-12-02.

Conditions:
Inborn genetic diseases. Identifiers: MedGen C0950123, MeSH D030342.
Baller-Gerold syndrome (BGS). Also called: CRANIOSYNOSTOSIS WITH RADIAL DEFECTS. Identifiers: Orphanet 1225, MedGen C0265308, MONDO:0009039, OMIM 218600.

gnomAD v4.1: 2 of 1,612,544 alleles (0.00012%); highest among the groups gnomAD compares: South Asian, 0.0011%; no homozygotes.

Submissions (2):

Ambry Genetics
Classification: Uncertain significance for Inborn genetic diseases. Last evaluated: 2024-12-02. Review status: criteria provided, single submitter. Criteria: Ambry Variant Classification Scheme 2023. Collection method: clinical testing. Allele origin: germline.
Comment: The p.G981D variant (also known as c.2942G>A), located in coding exon 17 of the RECQL4 gene, results from a G to A substitution at nucleotide position 2942. The glycine at codon 981 is replaced by aspartic acid, an amino acid with similar properties. This amino acid position is conserved. In addition, this alteration is predicted to be tolerated by in silico analysis. Based on the available evidence, the clinical significance of this variant remains unclear.

Labcorp Genetics (formerly Invitae), Labcorp
Classification: Uncertain significance for Baller-Gerold syndrome. Last evaluated: 2024-04-03. Review status: criteria provided, single submitter. Criteria: Invitae Variant Classification Sherloc (09022015). Collection method: clinical testing. Allele origin: germline.
Comment: This sequence change replaces glycine, which is neutral and non-polar, with aspartic acid, which is acidic and polar, at codon 981 of the RECQL4 protein (p.Gly981Asp). This variant is not present in population databases (gnomAD no frequency). This variant has not been reported in the literature in individuals affected with RECQL4-related conditions. ClinVar contains an entry for this variant (Variation ID: 1964064). Advanced modeling of protein sequence and biophysical properties (such as structural, functional, and spatial information, amino acid conservation, physicochemical variation, residue mobility, and thermodynamic stability) performed at Invitae indicates that this missense variant is not expected to disrupt RECQL4 protein function with a negative predictive value of 80%. In summary, the available evidence is currently insufficient to determine the role of this variant in disease. Therefore, it has been classified as a Variant of Uncertain Significance.